The following is an entry in ClinVar:

ClinVar aggregate classification (germline): Uncertain significance (1 of 4 stars; one submission).

Allele frequency attached by ClinVar (database versions not stated): gnomAD exomes below 0.00001.
gnomAD v4.1: 2 of 1,212,246 alleles (0.00016%); highest among the groups gnomAD compares: Admixed American, 0.0043%; no homozygotes.

Submission:

Labcorp Genetics (formerly Invitae), Labcorp
Classification: Uncertain significance. Last evaluated: 2023-04-06. Review status: criteria provided, single submitter. Criteria: Invitae Variant Classification Sherloc (09022015). Collection method: clinical testing. Allele origin: germline.
Comment: This sequence change replaces lysine, which is basic and polar, with glutamic acid, which is acidic and polar, at codon 379 of the ATP6AP1 protein (p.Lys379Glu). This variant is present in population databases (no rsID available, gnomAD 0.004%), including at least one homozygous and/or hemizygous individual. This variant has not been reported in the literature in individuals affected with ATP6AP1-related conditions. Algorithms developed to predict the effect of missense changes on protein structure and function output the following: SIFT: "Not Available"; PolyPhen-2: "Benign"; Align-GVGD: "Not Available". The glutamic acid amino acid residue is found in multiple mammalian species, which suggests that this missense change does not adversely affect protein function. In summary, the available evidence is currently insufficient to determine the role of this variant in disease. Therefore, it has been classified as a Variant of Uncertain Significance.

NM_001183.6(ATP6AP1):c.1135A>G (p.Lys379Glu)

Gene: ATP6AP1 (ATPase H+ transporting accessory protein 1; plus strand). Cytogenetic location: Xq28.
Variant type: single nucleotide variant.
Coding change: c.1135A>G on transcript NM_001183.6 (MANE Select); coding-DNA position 1135, A replaced by G.
Protein change: p.Lys379Glu; replaces lysine 379 with glutamic acid.
Molecular consequence: missense variant.
Genome position (GRCh38, 1-based): chrX:154,435,437, A>G. VCF-style: chrX-154435437-A-G. GRCh37 (hg19) VCF-style: chrX-153663783-A-G.
Other names: short protein forms K379E.
Identifiers: ClinVar variation 2868698 (VCV002868698.3), dbSNP rs1557197518, ClinGen allele CA415196249.
Genomic context (GRCh38, chrX:154,435,437, plus strand): 5'-TCCCAGGTCACAGGGCCCAGCATCTACTCCTTCCACTGCGAGTATGTCAGCAGCCTGAGC[A>G]AGAAGGGTAGTCTCCTCGTGGCCCGCACGCAGCCCTCTCCCTGGCAGATGATGCTTCAGG-3'
Protein context (NP_001174.2, residues 369-389): FHCEYVSSLS[Lys379Glu]KGSLLVARTQ